The following is an entry in ClinVar:

ClinVar aggregate classification (germline): Conflicting classifications of pathogenicity. Review status: criteria provided, conflicting classifications (1 of 4 stars). 4 submissions from 4 submitters: Uncertain significance (3); Likely benign (1). Last evaluated 2025-07-15.

Conditions:
Alexander disease (ALXDRD). Also called: Alexander's disease. Identifiers: Orphanet 58, MedGen C0270726, MONDO:0008752, OMIM 203450.

Allele frequency attached by ClinVar (database versions not stated): gnomAD 0.00001 and 0.00003; gnomAD exomes 0.00001; TOPMed 0.00001; ExAC 0.00002.

Submissions (4):

Women's Health and Genetics/Laboratory Corporation of America, LabCorp
Classification: Uncertain significance. Last evaluated: 2025-07-15. Review status: criteria provided, single submitter. Criteria: LabCorp Variant Classification Summary - May 2015. Collection method: clinical testing. Allele origin: germline.
Comment: Variant summary: GFAP c.362G>A (p.Arg121Gln) results in a conservative amino acid change in the encoded protein sequence. Algorithms developed to predict the effect of missense changes on protein structure and function are either unavailable or do not agree on the potential impact of this missense change. The variant allele was found at a frequency of 1.2e-05 in 251164 control chromosomes. The available data on variant occurrences in the general population are insufficient to allow any conclusion about variant significance. c.362G>A has been observed in at least one individual affected with Epilepsy without strong evidence of causality (e.g. Ganapathy_2019). These report(s) do not provide unequivocal conclusions about association of the variant with Alexander Disease. To our knowledge, no experimental evidence demonstrating an impact on protein function has been reported. The following publication has been ascertained in the context of this evaluation (PMID: 31069529). ClinVar contains an entry for this variant (Variation ID: 1437165). Based on the evidence outlined above, the variant was classified as uncertain significance.

Fulgent Genetics
Classification: Uncertain significance for Alexander disease. Last evaluated: 2021-08-24. Review status: criteria provided, single submitter. Criteria: ACMG Guidelines, 2015. Collection method: clinical testing. Allele origin: unknown.

Labcorp Genetics (formerly Invitae), Labcorp
Classification: Uncertain significance. Last evaluated: 2021-07-16. Review status: criteria provided, single submitter. Criteria: Invitae Variant Classification Sherloc (09022015). Collection method: clinical testing. Allele origin: germline.
Comment: This sequence change replaces arginine with glutamine at codon 121 of the GFAP protein (p.Arg121Gln). The arginine residue is highly conserved and there is a small physicochemical difference between arginine and glutamine. This variant is present in population databases (rs769619261, ExAC 0.005%). In summary, the available evidence is currently insufficient to determine the role of this variant in disease. Therefore, it has been classified as a Variant of Uncertain Significance. Algorithms developed to predict the effect of missense changes on protein structure and function are either unavailable or do not agree on the potential impact of this missense change (SIFT: "Deleterious"; PolyPhen-2: "Benign"; Align-GVGD: "Class C0"). This variant has not been reported in the literature in individuals with GFAP-related conditions.

Blueprint Genetics
Classification: Likely benign. Last evaluated: 2018-11-16. Review status: criteria provided, single submitter. Criteria: ACMG Guidelines, 2015. Collection method: clinical testing. Allele origin: germline.

Literature cited by the submitters: PubMed 31069529 (cited by Women's Health and Genetics/Laboratory Corporation of America, LabCorp).

NM_002055.5(GFAP):c.362G>A (p.Arg121Gln)

Gene: GFAP (glial fibrillary acidic protein; minus strand). Cytogenetic location: 17q21.31.
Variant type: single nucleotide variant.
Coding change: c.362G>A on transcript NM_002055.5 (MANE Select); coding-DNA position 362, G replaced by A.
Protein change: p.Arg121Gln; replaces arginine 121 with glutamine.
Molecular consequence: missense variant.
Genome position (GRCh38, 1-based): chr17:44,915,125, C>T on the plus strand (G>A on the coding strand, the complement: GFAP is on the minus strand). VCF-style: chr17-44915125-C-T. GRCh37 (hg19) VCF-style: chr17-42992493-C-T.
Other names: c.362G>A, p.Arg121Gln (NM_001131019.3, NM_001242376.3, NM_001363846.2); short protein forms R121Q.
Identifiers: ClinVar variation 1437165 (VCV001437165.11), dbSNP rs769619261, ClinGen allele CA8609053.